The following is an entry in ClinVar:

NM_004360.5(CDH1):c.2474dup (p.Pro826fs)

Gene: CDH1 (cadherin 1; plus strand). Cytogenetic location: 16q22.1.
Variant type: Duplication.
Coding change: c.2474dup on transcript NM_004360.5 (MANE Select); coding-DNA position 2474, one base duplicated (C; older notation c.2474dupC).
Protein change: p.Pro826fs; shifts the reading frame from proline 826.
Molecular consequence: frameshift variant.
Genome position (GRCh38, 1-based): chr16:68,833,324, C duplicated; the last of 4 consecutive C bases (chr16:68,833,321-68,833,324); duplicating any one gives the same sequence. VCF-style (leftmost placement, unchanged base first): chr16-68833320-G-GC. GRCh37 (hg19) VCF-style: chr16-68867223-G-GC.
Other names: NM_004360.5(CDH1):c.2474dup; p.Pro826fs; c.2474dup (LRG_301t1); c.2291dup, p.Pro765fs (NM_001317184.2); c.926dup, p.Pro310fs (NM_001317185.2); c.509dup, p.Pro171fs (NM_001317186.2); c.2474dupC (NM_004360.3); short protein forms P171fs, P310fs, P826fs, P765fs.
Identifiers: ClinVar variation 481178 (VCV000481178.22), dbSNP rs1555518221, ClinGen allele CA658658499.

ClinVar aggregate classification (germline): Pathogenic. Review status: reviewed by expert panel (3 of 4 stars). 5 submissions from 5 submitters: Pathogenic (1). 4 of the submissions do not count toward it. Last evaluated 2023-08-02.

Conditions:
CDH1-related diffuse gastric and lobular breast cancer syndrome. Also called: CDH1-related diffuse gastric and lobular breast cancer. Identifiers: MedGen CN311521, MONDO:0100488.
Hereditary cancer-predisposing syndrome. Also called: Hereditary neoplastic syndrome; Neoplastic Syndromes, Hereditary; Tumor predisposition; Hereditary Cancer Syndrome. Identifiers: Orphanet 140162, MedGen C0027672, MeSH D009386, MONDO:0015356.
Hereditary diffuse gastric adenocarcinoma (HDGC). Also called: DIFFUSE GASTRIC AND LOBULAR BREAST CANCER SYNDROME. Identifiers: Orphanet 26106, MedGen C1708349, MONDO:0007648, OMIM 137215.

Submissions (5):

Clingen Gastric Cancer Variant Curation Expert Panel
Classification: Pathogenic for CDH1-related diffuse gastric and lobular breast cancer syndrome. Last evaluated: 2023-08-02. Review status: reviewed by expert panel. Criteria: ClinGen CDH1 ACMG Specifications V3.1. Collection method: curation. Allele origin: germline. Inheritance: Autosomal dominant inheritance.
Comment: The NM_004360.5:c.2474dup (p.Pro826AlafsTer3) variant in CDH1 is a frameshift variant that may cause a premature stop codon that is predicted to escape nonsense mediated decay. However, this truncated region (removes last 57 amino acids of the protein) is critical to protein function and located upstream the most 3' well-characterized pathogenic variant c.2506G>T (pGlu836Ter) (PVS1_Strong, PM5_Supporting; PMID: 29798843, ClinVar Variation ID: 479504). This variant is absent in gnomAD 2.1.1 (PM2_Supporting). This variant has been reported in 5 families meeting HDGC criteria (PS4; NCI hereditary gastric study, Ambry, Invitae). In summary, this variant meets the criteria to be classified as pathogenic for DGLBCS based on the ACMG/AMP criteria applied, as specified by the ClinGen CDH1 VCEP: PVS1_Strong, PS4, PM2_Supporting, PM5_Supporting. (CDH1 VCEP specifications version 3.1; 5/6/2022)

GeneDx
Classification: Likely pathogenic. Last evaluated: 2025-05-06. Review status: criteria provided, single submitter. Criteria: GeneDx Variant Classification Process June 2021. Collection method: clinical testing. Allele origin: germline. Affected: yes. Not counted in ClinVar's aggregate classification.
Comment: Frameshift variant predicted to result in abnormal protein length as the last 57 amino acid(s) are replaced with 2 different amino acid(s), and other similar variants have been reported in HGMD; Not observed at significant frequency in large population cohorts (gnomAD); Observed in an individual with lobular breast cancer (PMID: 29798843); This variant is associated with the following publications: (PMID: 36246616, 20371349, 15235021, 22850631, 29798843)

Labcorp Genetics (formerly Invitae), Labcorp
Classification: Pathogenic for Hereditary diffuse gastric adenocarcinoma. Last evaluated: 2025-04-14. Review status: criteria provided, single submitter. Criteria: Invitae Variant Classification Sherloc (09022015). Collection method: clinical testing. Allele origin: germline. Not counted in ClinVar's aggregate classification.
Comment: This sequence change creates a premature translational stop signal (p.Pro826Alafs*3) in the CDH1 gene. While this is not anticipated to result in nonsense mediated decay, it is expected to disrupt the last 57 amino acid(s) of the CDH1 protein. This variant is not present in population databases (gnomAD no frequency). This premature translational stop signal has been observed in individual(s) with lobular breast cancer (PMID: 29798843). ClinVar contains an entry for this variant (Variation ID: 481178). This variant disrupts a region of the CDH1 protein in which other variant(s) (p.Glu836*) have been determined to be pathogenic (PMID: 29798843). This suggests that this is a clinically significant region of the protein, and that variants that disrupt it are likely to be disease-causing. For these reasons, this variant has been classified as Pathogenic.

Ambry Genetics
Classification: Pathogenic for Hereditary cancer-predisposing syndrome. Last evaluated: 2024-04-30. Review status: criteria provided, single submitter. Criteria: Ambry Variant Classification Scheme 2023. Collection method: clinical testing. Allele origin: germline. Not counted in ClinVar's aggregate classification.
Comment: The c.2474dupC pathogenic mutation, located in coding exon 16 of the CDH1 gene, results from a duplication of C at nucleotide position 2474, causing a translational frameshift with a predicted alternate stop codon (p.P826Afs*3). This alteration occurs at the 3' terminus of theCDH1 gene, is not expected to trigger nonsense-mediated mRNA decay, and only impacts the last 55 amino acids of the protein. However, premature stop codons are typically deleterious in nature and the deleted region eliminates the catenin-binding domain, which is important for regulating the stability of cadherin mediated cell-cell adhesion (Ishiyama N et al. Cell. 2010 Apr;141:117-28). This variant has been observed in multiple individuals with a personal and/or family history that is consistent with CDH1-associated disease (Ambry internal data). This variant is considered to be rare based on population cohorts in the Genome Aggregation Database (gnomAD). Based on the supporting evidence, this variant is interpreted as a disease-causing mutation.

Myriad Genetics, Inc.
Classification: Pathogenic for Hereditary diffuse gastric adenocarcinoma. Last evaluated: 2023-06-15. Review status: criteria provided, single submitter. Criteria: Myriad Autosomal Dominant, Autosomal Recessive and X-Linked Classification Criteria (2023). Collection method: clinical testing. Allele origin: unknown. Not counted in ClinVar's aggregate classification.
Comment: This variant is considered pathogenic. This variant creates a frameshift predicted to result in premature protein truncation.

Literature cited by the submitters: PubMed 29798843 (cited by Labcorp Genetics (formerly Invitae), Labcorp); PubMed 20371349 (cited by Ambry Genetics).